The following is an entry in ClinVar:

NM_003737.4(DCHS1):c.7674A>T (p.Glu2558Asp)

Gene: DCHS1 (dachsous cadherin-related 1; minus strand). Cytogenetic location: 11p15.4.
Variant type: single nucleotide variant.
Coding change: c.7674A>T on transcript NM_003737.4 (MANE Select); coding-DNA position 7674, A replaced by T.
Protein change: p.Glu2558Asp; replaces glutamic acid 2558 with aspartic acid.
Molecular consequence: missense variant.
Genome position (GRCh38, 1-based): chr11:6,624,002, T>A on the plus strand (A>T on the coding strand, the complement: DCHS1 is on the minus strand). VCF-style: chr11-6624002-T-A. GRCh37 (hg19) VCF-style: chr11-6645233-T-A.
Other names: short protein forms E2558D.
Identifiers: ClinVar variation 3718357 (VCV003718357.2).

ClinVar aggregate classification (germline): Uncertain significance (1 of 4 stars; one submission).

gnomAD v4.1: 2 of 1,612,302 alleles (0.00012%); highest among the groups gnomAD compares: Non-Finnish European, 0.00017%; no homozygotes.

Submission:

Labcorp Genetics (formerly Invitae), Labcorp
Classification: Uncertain significance. Last evaluated: 2024-02-07. Review status: criteria provided, single submitter. Criteria: Invitae Variant Classification Sherloc (09022015). Collection method: clinical testing. Allele origin: germline.
Comment: This sequence change replaces glutamic acid, which is acidic and polar, with aspartic acid, which is acidic and polar, at codon 2558 of the DCHS1 protein (p.Glu2558Asp). This variant is not present in population databases (gnomAD no frequency). This variant has not been reported in the literature in individuals affected with DCHS1-related conditions. Advanced modeling of protein sequence and biophysical properties (such as structural, functional, and spatial information, amino acid conservation, physicochemical variation, residue mobility, and thermodynamic stability) performed at Invitae indicates that this missense variant is not expected to disrupt DCHS1 protein function with a negative predictive value of 80%. In summary, the available evidence is currently insufficient to determine the role of this variant in disease. Therefore, it has been classified as a Variant of Uncertain Significance.